The following is an entry in ClinVar:

NM_000212.3(ITGB3):c.1531G>A (p.Glu511Lys)

Gene: ITGB3 (integrin subunit beta 3; plus strand). Cytogenetic location: 17q21.32.
Variant type: single nucleotide variant.
Coding change: c.1531G>A on transcript NM_000212.3 (MANE Select); coding-DNA position 1531, G replaced by A.
Protein change: p.Glu511Lys; replaces glutamic acid 511 with lysine.
Molecular consequence: missense variant.
Genome position (GRCh38, 1-based): chr17:47,292,409, G>A. VCF-style: chr17-47292409-G-A. GRCh37 (hg19) VCF-style: chr17-45369775-G-A.
Other names: short protein forms E511K.
Identifiers: ClinVar variation 2152106 (VCV002152106.4), dbSNP rs150951945, ClinGen allele CA8623278.

ClinVar aggregate classification (germline): Uncertain significance. Review status: criteria provided, multiple submitters, no conflicts (2 of 4 stars). 2 submissions from 2 submitters: Uncertain significance (2). Last evaluated 2025-05-15.

Allele frequency attached by ClinVar (database versions not stated): TOPMed 0.00002; ExAC 0.00003; gnomAD 0.00003; ESP Exome Variant Server 0.00008.
gnomAD v4.1: 20 of 1,612,790 alleles (0.0012%); highest among the groups gnomAD compares: African/African-American, 0.015%; no homozygotes.

Submissions (2):

Labcorp Genetics (formerly Invitae), Labcorp
Classification: Uncertain significance. Last evaluated: 2025-05-15. Review status: criteria provided, single submitter. Criteria: Invitae Variant Classification Sherloc (09022015). Collection method: clinical testing. Allele origin: germline.
Comment: This sequence change replaces glutamic acid, which is acidic and polar, with lysine, which is basic and polar, at codon 511 of the ITGB3 protein (p.Glu511Lys). This variant is present in population databases (rs150951945, gnomAD 0.02%). This variant has not been reported in the literature in individuals affected with ITGB3-related conditions. ClinVar contains an entry for this variant (Variation ID: 2152106). Invitae Evidence Modeling of protein sequence and biophysical properties (such as structural, functional, and spatial information, amino acid conservation, physicochemical variation, residue mobility, and thermodynamic stability) indicates that this missense variant is not expected to disrupt ITGB3 protein function with a negative predictive value of 95%. In summary, the available evidence is currently insufficient to determine the role of this variant in disease. Therefore, it has been classified as a Variant of Uncertain Significance.

Blueprint Genetics
Classification: Uncertain significance. Last evaluated: 2018-05-28. Review status: criteria provided, single submitter. Criteria: ACMG Guidelines, 2015. Collection method: clinical testing. Allele origin: germline.